The following is an entry in ClinVar:

NM_001753.5(CAV1):c.446_447insT (p.Ile150fs)

Gene: CAV1 (caveolin 1; plus strand). Cytogenetic location: 7q31.2.
Variant type: Insertion.
Coding change: c.446_447insT on transcript NM_001753.5 (MANE Select); coding-DNA positions 446 to 447, T inserted.
Protein change: p.Ile150fs; shifts the reading frame from isoleucine 150.
Molecular consequence: frameshift variant.
Genome position: GRCh38 VCF-style: chr7-116559196-C-CT. GRCh37 (hg19) VCF-style: chr7-116199250-C-CT.
Other names: c.353_354insT, p.Ile119fs (NM_001172895.1, NM_001172896.2, NM_001172897.2); short protein forms I150fs, I119fs.
Identifiers: ClinVar variation 1493101 (VCV001493101.6), dbSNP rs2116117201, ClinGen allele CA2573141487.
Genomic context (GRCh38, chr7:116,559,196, plus strand): 5'-CAGTTGTACCATGCATTAAGAGCTTCCTGATTGAGATTCAGTGCATCAGCCGTGTCTATT[C>CT]CATCTACGTCCACACCGTCTGTGACCCACTCTTTGAAGCTGTTGGGAAAATATTCAGCAA-3'

ClinVar aggregate classification (germline): Likely pathogenic (1 of 4 stars; one submission).

Conditions:
Pulmonary hypertension, primary, 3. Identifiers: Orphanet 422, MedGen C3809192, MONDO:0014135, OMIM 615343.

Submission:

Labcorp Genetics (formerly Invitae), Labcorp
Classification: Likely pathogenic for Pulmonary hypertension, primary, 3. Last evaluated: 2022-01-17. Review status: criteria provided, single submitter. Criteria: Invitae Variant Classification Sherloc (09022015). Collection method: clinical testing. Allele origin: germline.
Comment: In summary, the currently available evidence indicates that the variant is pathogenic, but additional data are needed to prove that conclusively. Therefore, this variant has been classified as Likely Pathogenic. This premature translational stop signal has been observed in individual(s) with pulmonary hypertension (Invitae). In at least one individual the variant was observed to be de novo. This variant is not present in population databases (gnomAD no frequency). This sequence change creates a premature translational stop signal (p.Ile150Hisfs*8) in the CAV1 gene. While this is not anticipated to result in nonsense mediated decay, it is expected to disrupt the last 29 amino acid(s) of the CAV1 protein.